The following is an entry in ClinVar:

ClinVar aggregate classification (germline): Uncertain significance (1 of 4 stars; one submission).

Conditions:
Short-rib thoracic dysplasia 14 with polydactyly (SRTD14). Identifiers: Orphanet 397715, MedGen C4225286, MONDO:0014688, OMIM 616546.
Joubert syndrome 23 (JBTS23). Identifiers: Orphanet 475, MedGen C4084822, MONDO:0014664, OMIM 616490.

Submission:

Labcorp Genetics (formerly Invitae), Labcorp
Classification: Uncertain significance for Joubert syndrome 23; Short-rib thoracic dysplasia 14 with polydactyly. Last evaluated: 2025-03-04. Review status: criteria provided, single submitter. Criteria: Invitae Variant Classification Sherloc (09022015). Collection method: clinical testing. Allele origin: germline.
Comment: This sequence change replaces leucine, which is neutral and non-polar, with proline, which is neutral and non-polar, at codon 204 of the KIAA0586 protein (p.Leu204Pro). This variant is not present in population databases (gnomAD no frequency). This variant has not been reported in the literature in individuals affected with KIAA0586-related conditions. Invitae Evidence Modeling of protein sequence and biophysical properties (such as structural, functional, and spatial information, amino acid conservation, physicochemical variation, residue mobility, and thermodynamic stability) indicates that this missense variant is expected to disrupt KIAA0586 protein function with a positive predictive value of 80%. In summary, the available evidence is currently insufficient to determine the role of this variant in disease. Therefore, it has been classified as a Variant of Uncertain Significance.

NM_001329943.3(KIAA0586):c.452T>C (p.Leu151Pro)

Gene: KIAA0586 (KIAA0586; plus strand). Cytogenetic location: 14q23.1.
Variant type: single nucleotide variant.
Coding change: c.452T>C on transcript NM_001329943.3 (MANE Select); coding-DNA position 452, T replaced by C.
Protein change: p.Leu151Pro; replaces leucine 151 with proline.
Molecular consequence: missense variant.
Genome position (GRCh38, 1-based): chr14:58,442,747, T>C. VCF-style: chr14-58442747-T-C. GRCh37 (hg19) VCF-style: chr14-58909465-T-C.
Other names: c.611T>C, p.Leu204Pro (NM_001244189.2); c.407T>C, p.Leu136Pro (NM_001244190.2); c.197T>C, p.Leu66Pro (NM_001244191.2, NM_001329945.2, NM_001364700.1 and 1 more transcripts); c.320T>C, p.Leu107Pro (NM_001244192.2); c.32T>C, p.Leu11Pro (NM_001244193.2); c.452T>C, p.Leu151Pro (NM_001329944.2, NM_001329946.2, NM_001329947.2 and 1 more transcripts); short protein forms L107P, L11P, L136P, L151P, L204P, L66P.
Identifiers: ClinVar variation 3758297 (VCV003758297.2).